The following is an entry in ClinVar:

ClinVar aggregate classification (germline): Uncertain significance (1 of 4 stars; one submission).

Conditions:
Dilated cardiomyopathy 1O (CMD1O). Also called: CARDIOMYOPATHY, DILATED, WITH VENTRICULAR TACHYCARDIA. Identifiers: Orphanet 154, MedGen C1837839, MONDO:0012062, OMIM 608569.

Submission:

Labcorp Genetics (formerly Invitae), Labcorp
Classification: Uncertain significance for Dilated cardiomyopathy 1O. Last evaluated: 2024-11-04. Review status: criteria provided, single submitter. Criteria: Invitae Variant Classification Sherloc (09022015). Collection method: clinical testing. Allele origin: germline.
Comment: This sequence change replaces threonine, which is neutral and polar, with proline, which is neutral and non-polar, at codon 641 of the ABCC9 protein (p.Thr641Pro). This variant is not present in population databases (gnomAD no frequency). This variant has not been reported in the literature in individuals affected with ABCC9-related conditions. Invitae Evidence Modeling of protein sequence and biophysical properties (such as structural, functional, and spatial information, amino acid conservation, physicochemical variation, residue mobility, and thermodynamic stability) indicates that this missense variant is not expected to disrupt ABCC9 protein function with a negative predictive value of 95%. In summary, the available evidence is currently insufficient to determine the role of this variant in disease. Therefore, it has been classified as a Variant of Uncertain Significance.

NM_020297.4(ABCC9):c.1921A>C (p.Thr641Pro)

Gene: ABCC9 (ATP binding cassette subfamily C member 9; minus strand). Cytogenetic location: 12p12.1.
Variant type: single nucleotide variant.
Coding change: c.1921A>C on transcript NM_020297.4 (MANE Select); coding-DNA position 1921, A replaced by C.
Protein change: p.Thr641Pro; replaces threonine 641 with proline.
Molecular consequence: missense variant.
Genome position (GRCh38, 1-based): chr12:21,882,864, T>G on the plus strand (A>C on the coding strand, the complement: ABCC9 is on the minus strand). VCF-style: chr12-21882864-T-G. GRCh37 (hg19) VCF-style: chr12-22035798-T-G.
Other names: c.1921A>C, p.Thr641Pro (NM_001377273.1, NM_005691.4); c.1057A>C, p.Thr353Pro (NM_001377274.1); short protein forms T641P, T353P.
Identifiers: ClinVar variation 3656043 (VCV003656043.2).